The following is an entry in ClinVar:

NM_014797.3(ZBTB24):c.1498G>T (p.Ala500Ser)

Gene: ZBTB24 (zinc finger and BTB domain containing 24; minus strand). Cytogenetic location: 6q21.
Variant type: single nucleotide variant.
Coding change: c.1498G>T on transcript NM_014797.3 (MANE Select); coding-DNA position 1498, G replaced by T.
Protein change: p.Ala500Ser; replaces alanine 500 with serine.
Molecular consequence: missense variant.
Genome position (GRCh38, 1-based): chr6:109,466,447, C>A on the plus strand (G>T on the coding strand, the complement: ZBTB24 is on the minus strand). VCF-style: chr6-109466447-C-A. GRCh37 (hg19) VCF-style: chr6-109787650-C-A.
Other names: short protein forms A500S.
Identifiers: ClinVar variation 941167 (VCV000941167.8), dbSNP rs201725131, ClinGen allele CA3954061.

ClinVar aggregate classification (germline): Uncertain significance. Review status: criteria provided, multiple submitters, no conflicts (2 of 4 stars). 2 submissions from 2 submitters: Uncertain significance (2). Last evaluated 2024-09-02.

Conditions:
Immunodeficiency-centromeric instability-facial anomalies syndrome 2 (ICF2). Identifiers: Orphanet 2268, MedGen C3279748, MONDO:0013553, OMIM 614069.
Inborn genetic diseases. Identifiers: MedGen C0950123, MeSH D030342.

Allele frequency attached by ClinVar (database versions not stated): TOPMed 0.00007; ESP Exome Variant Server 0.00008; ExAC 0.00012; 1000 Genomes Project 30x 0.00016; 1000 Genomes Project 0.00020; gnomAD 0.00004 and 0.00005; gnomAD exomes 0.00007.

Submissions (2):

Ambry Genetics
Classification: Uncertain significance for Inborn genetic diseases. Last evaluated: 2024-09-02. Review status: criteria provided, single submitter. Criteria: Ambry Variant Classification Scheme 2023. Collection method: clinical testing. Allele origin: germline.

Labcorp Genetics (formerly Invitae), Labcorp
Classification: Uncertain significance for Immunodeficiency-centromeric instability-facial anomalies syndrome 2. Last evaluated: 2022-08-23. Review status: criteria provided, single submitter. Criteria: Invitae Variant Classification Sherloc (09022015). Collection method: clinical testing. Allele origin: germline.
Comment: This sequence change replaces alanine, which is neutral and non-polar, with serine, which is neutral and polar, at codon 500 of the ZBTB24 protein (p.Ala500Ser). This variant is present in population databases (rs201725131, gnomAD 0.02%). This variant has not been reported in the literature in individuals affected with ZBTB24-related conditions. ClinVar contains an entry for this variant (Variation ID: 941167). Algorithms developed to predict the effect of missense changes on protein structure and function output the following: SIFT: "Not Available"; PolyPhen-2: "Benign"; Align-GVGD: "Not Available". The serine amino acid residue is found in multiple mammalian species, which suggests that this missense change does not adversely affect protein function. In summary, the available evidence is currently insufficient to determine the role of this variant in disease. Therefore, it has been classified as a Variant of Uncertain Significance.